The following is an entry in ClinVar:

NM_018136.5(ASPM):c.5551A>G (p.Ile1851Val)

Gene: ASPM (assembly factor for spindle microtubules; minus strand). Cytogenetic location: 1q31.3.
Variant type: single nucleotide variant.
Coding change: c.5551A>G on transcript NM_018136.5 (MANE Select); coding-DNA position 5551, A replaced by G.
Protein change: p.Ile1851Val; replaces isoleucine 1851 with valine.
Molecular consequence: missense variant. On other transcripts: intron variant (1).
Genome position (GRCh38, 1-based): chr1:197,103,700, T>C on the plus strand (A>G on the coding strand, the complement: ASPM is on the minus strand). VCF-style: chr1-197103700-T-C. GRCh37 (hg19) VCF-style: chr1-197072830-T-C.
Other names: c.4066-7536A>G (NM_001206846.2); short protein forms I1851V.
Identifiers: ClinVar variation 515037 (VCV000515037.2), dbSNP rs200704986, ClinGen allele CA35873632.

ClinVar aggregate classification (germline): Conflicting classifications of pathogenicity. Review status: criteria provided, conflicting classifications (1 of 4 stars). 2 submissions from 2 submitters: Uncertain significance (1); Likely benign (1). Last evaluated 2025-03-28.

Conditions:
Inborn genetic diseases. Identifiers: MedGen C0950123, MeSH D030342.

Allele frequency attached by ClinVar (database versions not stated): TOPMed 0.00002; gnomAD exomes 0.00003; gnomAD 0.00002; ESP Exome Variant Server 0.00008.
gnomAD v4.1: 49 of 1,612,772 alleles (0.003%); highest among the groups gnomAD compares: Non-Finnish European, 0.0038%; no homozygotes.

Submissions (2):

Ambry Genetics
Classification: Uncertain significance for Inborn genetic diseases. Last evaluated: 2025-03-28. Review status: criteria provided, single submitter. Criteria: Ambry Variant Classification Scheme 2023. Collection method: clinical testing. Allele origin: germline.

GeneDx
Classification: Likely benign. Last evaluated: 2018-01-26. Review status: criteria provided, single submitter. Criteria: GeneDx Variant Classification (06012015). Collection method: clinical testing. Allele origin: germline. Affected: yes.
Comment: This variant is considered likely benign or benign based on one or more of the following criteria: it is a conservative change, it occurs at a poorly conserved position in the protein, it is predicted to be benign by multiple in silico algorithms, and/or has population frequency not consistent with disease.